The following is an entry in ClinVar:

ClinVar aggregate classification (germline): Uncertain significance. Review status: criteria provided, multiple submitters, no conflicts (2 of 4 stars). 15 submissions from 13 submitters: Uncertain significance (15). Last evaluated 2026-03-17.

Conditions:
Congenital myopathy with fiber type disproportion. Also called: Congenital fiber-type disproportion; Congenital fiber-type disproportion myopathy. Identifiers: Orphanet 2020, MedGen C0546264, MONDO:0009711. Inheritance: all.
Congenital multicore myopathy with external ophthalmoplegia (CMYO1B). Also called: MULTICORE MYOPATHY; Congenital myopathy 1B, autosomal recessive; Minicore myopathy; Minicore myopathy with external ophthalmoplegia; MULTIMINICORE DISEASE WITH EXTERNAL OPHTHALMOPLEGIA. Identifiers: Orphanet 598, Orphanet 98905, MedGen C1850674, MONDO:0009712, OMIM 255320, HP:0003789.
Malignant hyperthermia, susceptibility to, 1 (MHS1). Also called: Anesthesia related hyperthermia; Malignant hyperpyrexia; Fulminating hyperpyrexia; Pharmacogenic myopathy; Malignant hyperthermia suceptibility 1; RYR1-Related Malignant Hyperthermia Susceptibility. Identifiers: Orphanet 423, MedGen C2930980, MONDO:0007783, OMIM 145600.
Central core myopathy (CMYO1A). Also called: Central core disease; Myopathy, central fibrillar; CONGENITAL MYOPATHY 1A, AUTOSOMAL DOMINANT, WITH SUSCEPTIBILITY TO MALIGNANT HYPERTHERMIA. Identifiers: Orphanet 597, MedGen C5830701, MONDO:0007294, OMIM 117000.
King Denborough syndrome (KDS). Identifiers: MedGen C1840365, MONDO:0020485, OMIM 619542.
Myalgia. Identifiers: MedGen C0231528, HP:0003326.
Exercise-induced myalgia. Identifiers: MedGen C1850830, HP:0003738.
Elevated circulating creatine kinase activity. Also called: Elevated circulating creatine kinase concentration; Elevated serum creatine phosphokinase; Elevated creatine kinase. Identifiers: MedGen C0241005, HP:0003236.
RYR1-related disorder. Also called: RYR1-related condition; RYR1-related disorders. Identifiers: MedGen CN239331.

Allele frequency attached by ClinVar (database versions not stated): ExAC 0.00015; ESP Exome Variant Server 0.00046; TOPMed 0.00019; gnomAD 0.00021 and 0.00022.
gnomAD v4.1: 312 of 1,610,518 alleles (0.019%); highest among the groups gnomAD compares: Non-Finnish European, 0.024%; no homozygotes.

Submissions (15):

PreventionGenetics, part of Exact Sciences
Classification: Uncertain significance for RYR1-related condition. Last evaluated: 2026-03-17. Review status: criteria provided, single submitter. Criteria: ACMG Guidelines, 2015. Collection method: clinical testing. Allele origin: germline.
Comment: The RYR1 c.5000G>A variant is predicted to result in the amino acid substitution p.Arg1667His. This variant has been reported in individuals with malignant hyperthermia (Levano et al. 2017. PubMed ID: 28259615; Hoppe et al. 2021. PubMed ID: 33564012). This variant has also been documented in the compound heterozygous state in an individual with a congenital neuromuscular disease phenotype (Table S3, Marinakis et al. 2021. PubMed ID: 34008892). This variant is present in 0.039% of alleles in individuals of Ashkenazi Jewish descent in gnomAD. At this time, the clinical significance of this variant is uncertain due to the absence of conclusive functional and genetic evidence.

Labcorp Genetics (formerly Invitae), Labcorp
Classification: Uncertain significance for RYR1-related disorder. Last evaluated: 2026-01-01. Review status: criteria provided, single submitter. Criteria: Invitae Variant Classification Sherloc (09022015). Collection method: clinical testing. Allele origin: germline.
Comment: This sequence change replaces arginine, which is basic and polar, with histidine, which is basic and polar, at codon 1667 of the RYR1 protein (p.Arg1667His). This variant is present in population databases (rs138978909, gnomAD 0.03%). This missense change has been observed in individual(s) with autosomal recessive RYR1-related myopathy, clinical features of RYR1-related conditions, and/or malignant hyperthermia susceptibility (PMID: 28259615, 33564012, 34008892; internal data). ClinVar contains an entry for this variant (Variation ID: 373680). Invitae Evidence Modeling of protein sequence and biophysical properties (such as structural, functional, and spatial information, amino acid conservation, physicochemical variation, residue mobility, and thermodynamic stability) indicates that this missense variant is not expected to disrupt RYR1 protein function with a negative predictive value of 80%. In summary, the available evidence is currently insufficient to determine the role of this variant in disease. Therefore, it has been classified as a Variant of Uncertain Significance.

Color Diagnostics, LLC DBA Color Health
Classification: Uncertain significance for Malignant hyperthermia, susceptibility to, 1. Last evaluated: 2025-12-16. Review status: criteria provided, single submitter. Criteria: ACMG Guidelines, 2015. Collection method: clinical testing. Allele origin: germline.
Comment: This missense variant replaces arginine with histidine at codon 1667 of the RYR1 protein. Computational prediction suggests that this variant may not impact protein structure and function. To our knowledge, functional studies have not been reported for this variant. This variant has been reported in an individual affected with malignant hyperthermia susceptibility (PMID: 28259615). This variant has been identified in 312/1610518 chromosomes in the general population by the Genome Aggregation Database (gnomAD). The available evidence is insufficient to determine the role of this variant in disease conclusively. Therefore, this variant is classified as a Variant of Uncertain Significance.

Blueprint Genetics
Classification: Uncertain significance. Last evaluated: 2024-11-28. Review status: criteria provided, single submitter. Criteria: ACMG Guidelines, 2015. Collection method: clinical testing. Allele origin: germline.

Revvity Omics, Revvity
Classification: Uncertain significance. Last evaluated: 2024-10-01. Review status: criteria provided, single submitter. Criteria: ACMG Guidelines, 2015. Collection method: clinical testing. Allele origin: germline.

All of Us Research Program, National Institutes of Health
Classification: Uncertain significance for Malignant hyperthermia, susceptibility to, 1. Last evaluated: 2024-09-23. Review status: criteria provided, single submitter. Criteria: ACMG Guidelines, 2015. Collection method: clinical testing. Allele origin: germline. Inheritance: Autosomal dominant inheritance. Observed: 76 variant alleles, 76 heterozygotes.
Comment: This missense variant replaces arginine with histidine at codon 1667 of the RYR1 protein. Computational prediction suggests that this variant may not impact protein structure and function (internally defined REVEL score threshold <= 0.5, PMID: 27666373). To our knowledge, functional studies have not been reported for this variant. This variant has been reported in an individual affected with malignant hyperthermia susceptibility (PMID: 28259615). This variant has been identified in 41/277940 chromosomes in the general population by the Genome Aggregation Database (gnomAD). The available evidence is insufficient to determine the role of this variant in disease conclusively. Therefore, this variant is classified as a Variant of Uncertain Significance.

This study involves interpretation of variants in research participants for the purpose of population health screening. Participant phenotype was not available at the time of variant classification. Additional details can be found in publication PMID: 35346344, PMCID: PMC8962531

3billion
Classification: Uncertain significance for Congenital multicore myopathy with external ophthalmoplegia. Last evaluated: 2024-07-24. Review status: criteria provided, single submitter. Criteria: ACMG Guidelines, 2015. Collection method: clinical testing. Allele origin: germline. Affected: yes.
Comment: The variant is observed at an extremely low frequency in the gnomAD v4.0.0 dataset (total allele frequency: 0.019%). Predicted Consequence/Location: Missense variant In silico tool predictions suggest no damaging effect of the variant on gene or gene product [REVEL: 0.29 (<0.4); 3Cnet: 0.06 (<0.15, specificity 0.78 and negative predictive value 0.92)]. The variant has been reported as of uncertain significance (ClinVar ID: VCV000373680). Therefore, this variant is classified as VUS according to the recommendation of ACMG/AMP guideline.

Women's Health and Genetics/Laboratory Corporation of America, LabCorp
Classification: Uncertain significance. Last evaluated: 2024-01-19. Review status: criteria provided, single submitter. Criteria: LabCorp Variant Classification Summary - May 2015. Collection method: clinical testing. Allele origin: germline.
Comment: Variant summary: RYR1 c.5000G>A (p.Arg1667His) results in a non-conservative amino acid change located in the Ryanodine receptor, junctional solenoid domain (IPR048581) of the encoded protein sequence. Three of four in-silico tools predict a damaging effect of the variant on protein function. The variant allele was found at a frequency of 0.00014 in 246574 control chromosomes, predominantly at a frequency of 0.00024 within the Non-Finnish European subpopulation in the gnomAD database. It has also been reported in a patient with unknown genetic condition (Levano_2017). These data do not allow any conclusion about variant significance. To our knowledge, no experimental evidence demonstrating an impact on protein function has been reported. The following publications have been ascertained in the context of this evaluation (PMID: 28259615, 34008892). ClinVar contains an entry for this variant (Variation ID: 373680, All VUS). Based on the evidence outlined above, the variant was classified as uncertain significance.

Fulgent Genetics
Classification: Uncertain significance for Central core myopathy; Malignant hyperthermia, susceptibility to, 1; Congenital myopathy 4A, autosomal dominant; Congenital multicore myopathy with external ophthalmoplegia; King Denborough syndrome. Last evaluated: 2021-08-12. Review status: criteria provided, single submitter. Criteria: ACMG Guidelines, 2015. Collection method: clinical testing. Allele origin: unknown.

CeGaT Center for Human Genetics Tuebingen
Classification: Uncertain significance. Last evaluated: 2021-06-01. Review status: criteria provided, single submitter. Criteria: CeGaT Center For Human Genetics Tuebingen Variant Classification Criteria Version 2. Collection method: clinical testing. Allele origin: germline. Affected: yes. Observed: 1 variant allele.

Centre for Mendelian Genomics, University Medical Centre Ljubljana
Classification: Uncertain significance for Congenital myopathy 4A, autosomal dominant. Last evaluated: 2019-03-18. Review status: criteria provided, single submitter. Criteria: ACMG Guidelines, 2015. Collection method: clinical testing. Allele origin: unknown. Affected: yes.
Comment: This variant was classified as: Uncertain significance. The available evidence on this variant's pathogenicity is insufficient or conflicting. The following ACMG criteria were applied in classifying this variant: PM2,PP3.

Illumina Laboratory Services, Illumina
Classification: Uncertain significance for Malignant hyperthermia, susceptibility to, 1. Last evaluated: 2018-01-12. Review status: criteria provided, single submitter. Criteria: ICSL Variant Classification Criteria 13 December 2019. Collection method: clinical testing. Allele origin: germline.

Illumina Laboratory Services, Illumina
Classification: Uncertain significance for Congenital multicore myopathy with external ophthalmoplegia. Last evaluated: 2018-01-12. Review status: criteria provided, single submitter. Criteria: ICSL Variant Classification Criteria 13 December 2019. Collection method: clinical testing. Allele origin: germline.

Centre for Mendelian Genomics, University Medical Centre Ljubljana
Classification: Uncertain significance for Elevated circulating creatine kinase activity; Exercise-induced myalgia; Myalgia. Last evaluated: 2017-01-01. Review status: criteria provided, single submitter. Criteria: ACMG Guidelines, 2015. Collection method: clinical testing. Allele origin: unknown. Affected: yes.

GeneDx
Classification: Uncertain significance. Last evaluated: 2016-12-13. Review status: criteria provided, single submitter. Criteria: GeneDx Variant Classification (06012015). Collection method: clinical testing. Allele origin: germline. Affected: yes.
Comment: The R1667H variant in the RYR1 gene has not been reported previously as a germline pathogenic variant, nor as a benign variant, to our knowledge. The R1667H variant was not observed with any significant frequency in approximately 6500 individuals of European and African American ancestry in the NHLBI Exome Sequencing Project, indicating it is not a common benign variant in these populations. The R1667H variant is a conservative amino acid substitution, which is not likely to impact secondary protein structure as these residues share similar properties. This substitution occurs at a position that is not conserved. In silico analysis is inconsistent in its predictions as to whether or not the variant is damaging to the protein structure/function. We interpret R1667H as a variant of uncertain significance.

Literature cited by the submitters: PubMed 28259615 (cited by 4 submitters); PubMed 33564012 (cited by Labcorp Genetics (formerly Invitae), Labcorp); PubMed 34008892 (cited by Labcorp Genetics (formerly Invitae), Labcorp and Women's Health and Genetics/Laboratory Corporation of America, LabCorp).

NM_000540.3(RYR1):c.5000G>A (p.Arg1667His)

Gene: RYR1 (ryanodine receptor 1; plus strand). Cytogenetic location: 19q13.2.
Variant type: single nucleotide variant.
Coding change: c.5000G>A on transcript NM_000540.3 (MANE Select); coding-DNA position 5000, G replaced by A.
Protein change: p.Arg1667His; replaces arginine 1667 with histidine.
Molecular consequence: missense variant.
Genome position (GRCh38, 1-based): chr19:38,485,655, G>A. VCF-style: chr19-38485655-G-A. GRCh37 (hg19) VCF-style: chr19-38976295-G-A.
Other names: c.5000G>A, p.Arg1667His (NM_001042723.2); short protein forms R1667H.
Identifiers: ClinVar variation 373680 (VCV000373680.59), dbSNP rs138978909, ClinGen allele CA066587.